The following is an entry in ClinVar:

NM_004341.5(CAD):c.2453G>A (p.Trp818Ter)

Genes: CAD (carbamoyl-phosphate synthetase 2, aspartate transcarbamylase, and dihydroorotase; plus strand), LOC126806171 (BRD4-independent group 4 enhancer GRCh37_chr2:27454350-27455549; plus strand). Cytogenetic location: 2p23.3.
Variant type: single nucleotide variant.
Coding change: c.2453G>A on transcript NM_004341.5 (MANE Select); coding-DNA position 2453, G replaced by A.
Protein change: p.Trp818Ter; replaces tryptophan 818 with a stop codon.
Molecular consequence: nonsense.
Genome position (GRCh38, 1-based): chr2:27,232,032, G>A. VCF-style: chr2-27232032-G-A. GRCh37 (hg19) VCF-style: chr2-27454900-G-A.
Other names: c.2264G>A, p.Trp755Ter (NM_001306079.2); short protein forms W755*, W818*.
Identifiers: ClinVar variation 2116615 (VCV002116615.4), dbSNP rs2465324954, ClinGen allele CA346211301.

ClinVar aggregate classification (germline): Pathogenic (1 of 4 stars; one submission).

Submission:

Labcorp Genetics (formerly Invitae), Labcorp
Classification: Pathogenic. Last evaluated: 2022-03-24. Review status: criteria provided, single submitter. Criteria: Invitae Variant Classification Sherloc (09022015). Collection method: clinical testing. Allele origin: germline.
Comment: For these reasons, this variant has been classified as Pathogenic. Algorithms developed to predict the effect of sequence changes on RNA splicing suggest that this variant may create or strengthen a splice site. This variant has not been reported in the literature in individuals affected with CAD-related conditions. This variant is not present in population databases (gnomAD no frequency). This sequence change creates a premature translational stop signal (p.Trp818*) in the CAD gene. It is expected to result in an absent or disrupted protein product. Loss-of-function variants in CAD are known to be pathogenic (PMID: 28007989, 32117025, 32820246, 33497533).

Literature cited by the submitters: PubMed 28007989; PubMed 32117025; PubMed 32820246; PubMed 33497533.